The following is an entry in ClinVar:

NM_006796.3(AFG3L2):c.1626G>T (p.Gln542His)

Gene: AFG3L2 (AFG3 like matrix AAA peptidase subunit 2; minus strand). Cytogenetic location: 18p11.21.
Variant type: single nucleotide variant.
Coding change: c.1626G>T on transcript NM_006796.3 (MANE Select); coding-DNA position 1626, G replaced by T.
Protein change: p.Gln542His; replaces glutamine 542 with histidine.
Molecular consequence: missense variant.
Genome position (GRCh38, 1-based): chr18:12,348,310, C>A on the plus strand (G>T on the coding strand, the complement: AFG3L2 is on the minus strand). VCF-style: chr18-12348310-C-A. GRCh37 (hg19) VCF-style: chr18-12348309-C-A.
Other names: short protein forms Q542H.
Identifiers: ClinVar variation 4682282 (VCV004682282.1).
Genomic context (GRCh38, chr18:12,348,310, plus strand): 5'-TGAGTTATGTTCAGTTTCCTTACCACCAATCACTCGTTCAATTGCCTGTTCAAAGTGTTT[C>A]TGATTTATGGAATCTGACAGATGCCTTGCAGCAATCAACGCAGCTTCATTACAGACATTA-3'
Protein context (NP_006787.2, residues 532-552): AARHLSDSIN[Gln542His]KHFEQAIERV

ClinVar aggregate classification (germline): Uncertain significance (1 of 4 stars; one submission).

gnomAD v4.1: 4 of 1,614,168 alleles (0.00025%); highest among the groups gnomAD compares: Admixed American, 0.0067%; no homozygotes.

Submission:

Athena Diagnostics
Classification: Uncertain significance. Last evaluated: 2025-08-12. Review status: criteria provided, single submitter. Criteria: Athena Diagnostics Criteria. Collection method: clinical testing. Allele origin: unknown.
Comment: Available data are insufficient to determine the clinical significance of the variant at this time. The frequency of this variant in the general population is uninformative in assessment of its pathogenicity. Polyphen and MutationTaster predict this amino acid change may be benign. The variant is located in a region that is considered important for protein function and/or structure.